The following is an entry in ClinVar:

NM_015909.4(NBAS):c.3071G>A (p.Gly1024Asp)

Gene: NBAS (NBAS subunit of NRZ tethering complex; minus strand). Cytogenetic location: 2p24.3.
Variant type: single nucleotide variant.
Coding change: c.3071G>A on transcript NM_015909.4 (MANE Select); coding-DNA position 3071, G replaced by A.
Protein change: p.Gly1024Asp; replaces glycine 1024 with aspartic acid.
Molecular consequence: missense variant. On other transcripts: non-coding transcript variant (1).
Genome position (GRCh38, 1-based): chr2:15,402,168, C>T on the plus strand (G>A on the coding strand, the complement: NBAS is on the minus strand). VCF-style: chr2-15402168-C-T. GRCh37 (hg19) VCF-style: chr2-15542292-C-T.
Other names: short protein forms G1024D.
Identifiers: ClinVar variation 4884319 (VCV004884319.1).
Genomic context (GRCh38, chr2:15,402,168, plus strand): 5'-TTTTGTTTTAACTGTTAGAATAAAAAAACACAATAAGACTGGCATACTGTGTATTCTTAC[C>T]CATATCCTCTTTCTGGCAGACATTCTAGTAGGTCATAGCAAAGACAGAGTTGATCATTTC-3'
Protein context (NP_056993.2, residues 1014-1034): LLECLPERGY[Gly1024Asp]DKTEATTKLH

ClinVar aggregate classification (germline): Pathogenic (1 of 4 stars; one submission).

Conditions:
NBAS-related disorder. Also called: NBAS-related condition.

Submission:

Life Science Institute, Zhejiang University
Classification: Pathogenic for NBAS-related disorder. Last evaluated: 2026-08-06. Review status: criteria provided, single submitter. Criteria: ACMG Guidelines, 2015. Collection method: research. Allele origin: germline. Inheritance: Autosomal recessive inheritance. Affected: yes. Observed: 1 variant allele, 1 compound heterozygote.
Comment: The NM_015909.4(NBAS):c.3071G>A variant affects the last nucleotide of exon 26 and is predicted to disrupt normal splicing. Aberrant splicing is expected to result in loss of NBAS function, which is an established disease mechanism for autosomal recessive NBAS-related disorder. This variant was identified in an affected individual (P2) in trans with NM_015909.4(NBAS):c.4589T>A, consistent with autosomal recessive inheritance. The variant was absent or extremely rare in population databases evaluated in the study, including gnomAD, ChinaMAP, and Kaviar. The affected individual showed clinical features compatible with NBAS-related disease. Based on the predicted splice effect, rarity in population databases, occurrence in trans with another NBAS pathogenic/likely pathogenic variant in an affected individual, and compatible clinical phenotype, this variant was classified as pathogenic according to ACMG/AMP criteria.